The following is an entry in ClinVar:

ClinVar aggregate classification (germline): Uncertain significance (1 of 4 stars; one submission).

Conditions:
Familial thoracic aortic aneurysm and aortic dissection (TAAD). Also called: Thoracic aortic aneurysms and dissections. Identifiers: Orphanet 91387, MedGen C4707243, MONDO:0019625.

Submission:

Color Diagnostics, LLC DBA Color Health
Classification: Uncertain significance for Familial thoracic aortic aneurysm and aortic dissection. Last evaluated: 2024-03-06. Review status: criteria provided, single submitter. Criteria: ACMG Guidelines, 2015. Collection method: clinical testing. Allele origin: germline.
Comment: This missense variant replaces aspartic acid with alanine at codon 29 of the MYH11 protein. Computational prediction suggests that this variant may have deleterious impact on protein structure and function (internally defined REVEL score threshold >= 0.7, PMID: 27666373). To our knowledge, functional studies have not been reported for this variant. This variant has not been reported in individuals affected with cardiovascular disorders in the literature. This variant has not been identified in the general population by the Genome Aggregation Database (gnomAD). The available evidence is insufficient to determine the role of this variant in disease conclusively. Therefore, this variant is classified as a Variant of Uncertain Significance.

NM_002474.3(MYH11):c.86A>C (p.Asp29Ala)

Gene: MYH11 (myosin heavy chain 11; minus strand). Cytogenetic location: 16p13.11.
Variant type: single nucleotide variant.
Coding change: c.86A>C on transcript NM_002474.3 (MANE Select); coding-DNA position 86, A replaced by C.
Protein change: p.Asp29Ala; replaces aspartic acid 29 with alanine.
Molecular consequence: missense variant.
Genome position (GRCh38, 1-based): chr16:15,838,167, T>G on the plus strand (A>C on the coding strand, the complement: MYH11 is on the minus strand). VCF-style: chr16-15838167-T-G. GRCh37 (hg19) VCF-style: chr16-15932024-T-G.
Other names: c.86A>C, p.Asp29Ala (NM_001040113.2, NM_001040114.2, NM_022844.3); short protein forms D29A.
Identifiers: ClinVar variation 1171392 (VCV001171392.3), dbSNP rs2151381525, ClinGen allele CA395198748.